The following is an entry in ClinVar:

NM_182931.3(KMT2E):c.910G>C (p.Ala304Pro)

Gene: KMT2E (lysine methyltransferase 2E (inactive); plus strand). Cytogenetic location: 7q22.3.
Variant type: single nucleotide variant.
Coding change: c.910G>C on transcript NM_182931.3 (MANE Select); coding-DNA position 910, G replaced by C.
Protein change: p.Ala304Pro; replaces alanine 304 with proline.
Molecular consequence: missense variant.
Genome position (GRCh38, 1-based): chr7:105,077,104, G>C. VCF-style: chr7-105077104-G-C. GRCh37 (hg19) VCF-style: chr7-104717551-G-C.
Other names: c.910G>C, p.Ala304Pro (NM_001410908.1, NM_018682.4); short protein forms A304P.
Identifiers: ClinVar variation 2776822 (VCV002776822.3), dbSNP rs1797561456, ClinGen allele CA368777726.

ClinVar aggregate classification (germline): Uncertain significance (1 of 4 stars; one submission).

Allele frequency attached by ClinVar (database versions not stated): TOPMed below 0.00001.

Submission:

Labcorp Genetics (formerly Invitae), Labcorp
Classification: Uncertain significance. Last evaluated: 2023-10-05. Review status: criteria provided, single submitter. Criteria: Invitae Variant Classification Sherloc (09022015). Collection method: clinical testing. Allele origin: germline.
Comment: This sequence change replaces alanine, which is neutral and non-polar, with proline, which is neutral and non-polar, at codon 304 of the KMT2E protein (p.Ala304Pro). This variant is not present in population databases (gnomAD no frequency). This variant has not been reported in the literature in individuals affected with KMT2E-related conditions. Advanced modeling of protein sequence and biophysical properties (such as structural, functional, and spatial information, amino acid conservation, physicochemical variation, residue mobility, and thermodynamic stability) performed at Invitae indicates that this missense variant is not expected to disrupt KMT2E protein function. In summary, the available evidence is currently insufficient to determine the role of this variant in disease. Therefore, it has been classified as a Variant of Uncertain Significance.